The following is an entry in ClinVar:

ClinVar aggregate classification (germline): Uncertain significance. Review status: criteria provided, multiple submitters, no conflicts (2 of 4 stars). 3 submissions from 3 submitters: Uncertain significance (3). Last evaluated 2025-08-28.

Conditions:
Cardiovascular phenotype. Identifiers: MedGen CN230736.
Brugada syndrome 8 (BRGDA8). Identifiers: Orphanet 130, MedGen C2751083, MONDO:0013148, OMIM 613123.

Allele frequency attached by ClinVar (database versions not stated): gnomAD exomes below 0.00001; gnomAD 0.00003; TOPMed 0.00004; ESP Exome Variant Server 0.00009.
gnomAD v4.1: 6 of 1,591,328 alleles (0.00038%); highest among the groups gnomAD compares: African/African-American, 0.0081%; no homozygotes.

Submissions (3):

Ambry Genetics
Classification: Uncertain significance for Cardiovascular phenotype. Last evaluated: 2025-08-28. Review status: criteria provided, single submitter. Criteria: Ambry Variant Classification Scheme 2023. Collection method: clinical testing. Allele origin: germline.
Comment: The p.P997H variant (also known as c.2990C>A), located in coding exon 8 of the HCN4 gene, results from a C to A substitution at nucleotide position 2990. The proline at codon 997 is replaced by histidine, an amino acid with similar properties. This amino acid position is not well conserved in available vertebrate species. In addition, the in silico prediction for this alteration is inconclusive. Since supporting evidence is limited at this time, the clinical significance of this alteration remains unclear.

Labcorp Genetics (formerly Invitae), Labcorp
Classification: Uncertain significance for Brugada syndrome 8. Last evaluated: 2025-08-01. Review status: criteria provided, single submitter. Criteria: Invitae Variant Classification Sherloc (09022015). Collection method: clinical testing. Allele origin: germline.
Comment: This sequence change replaces proline, which is neutral and non-polar, with histidine, which is basic and polar, at codon 997 of the HCN4 protein (p.Pro997His). The frequency data for this variant in the population databases is considered unreliable, as metrics indicate poor data quality at this position in the gnomAD database. This variant has not been reported in the literature in individuals affected with HCN4-related conditions. ClinVar contains an entry for this variant (Variation ID: 1481926). Invitae Evidence Modeling of protein sequence and biophysical properties (such as structural, functional, and spatial information, amino acid conservation, physicochemical variation, residue mobility, and thermodynamic stability) indicates that this missense variant is not expected to disrupt HCN4 protein function with a negative predictive value of 95%. In summary, the available evidence is currently insufficient to determine the role of this variant in disease. Therefore, it has been classified as a Variant of Uncertain Significance.

GeneDx
Classification: Uncertain significance. Last evaluated: 2024-07-01. Review status: criteria provided, single submitter. Criteria: GeneDx Variant Classification Process June 2021. Collection method: clinical testing. Allele origin: germline. Affected: yes.
Comment: Not observed at significant frequency in large population cohorts (gnomAD); In silico analysis indicates that this missense variant does not alter protein structure/function; Has not been previously published as pathogenic or benign to our knowledge

NM_005477.3(HCN4):c.2990C>A (p.Pro997His)

Gene: HCN4 (hyperpolarization activated cyclic nucleotide gated potassium channel 4; minus strand). Cytogenetic location: 15q24.1.
Variant type: single nucleotide variant.
Coding change: c.2990C>A on transcript NM_005477.3 (MANE Select); coding-DNA position 2990, C replaced by A.
Protein change: p.Pro997His; replaces proline 997 with histidine.
Molecular consequence: missense variant.
Genome position (GRCh38, 1-based): chr15:73,323,103, G>T on the plus strand (C>A on the coding strand, the complement: HCN4 is on the minus strand). VCF-style: chr15-73323103-G-T. GRCh37 (hg19) VCF-style: chr15-73615444-G-T.
Other names: short protein forms P997H.
Identifiers: ClinVar variation 1481926 (VCV001481926.10), dbSNP rs375788137, ClinGen allele CA272663982.